The following is an entry in ClinVar:

ClinVar aggregate classification (germline): Uncertain significance (1 of 4 stars; one submission).

Allele frequency attached by ClinVar (database versions not stated): TOPMed below 0.00001; gnomAD exomes below 0.00001.

Submission:

Labcorp Genetics (formerly Invitae), Labcorp
Classification: Uncertain significance. Last evaluated: 2025-05-21. Review status: criteria provided, single submitter. Criteria: Invitae Variant Classification Sherloc (09022015). Collection method: clinical testing. Allele origin: germline.
Comment: This sequence change replaces arginine, which is basic and polar, with glutamine, which is neutral and polar, at codon 555 of the ZNF687 protein (p.Arg555Gln). This variant is present in population databases (no rsID available, gnomAD 0.006%). This variant has not been reported in the literature in individuals affected with ZNF687-related conditions. ClinVar contains an entry for this variant (Variation ID: 1954660). An algorithm developed to predict the effect of missense changes on protein structure and function (PolyPhen-2) suggests that this variant is likely to be disruptive. In summary, the available evidence is currently insufficient to determine the role of this variant in disease. Therefore, it has been classified as a Variant of Uncertain Significance.

NM_020832.3(ZNF687):c.1664G>A (p.Arg555Gln)

Gene: ZNF687 (zinc finger protein 687; plus strand). Cytogenetic location: 1q21.3.
Variant type: single nucleotide variant.
Coding change: c.1664G>A on transcript NM_020832.3 (MANE Select); coding-DNA position 1664, G replaced by A.
Protein change: p.Arg555Gln; replaces arginine 555 with glutamine.
Molecular consequence: missense variant.
Genome position (GRCh38, 1-based): chr1:151,287,955, G>A. VCF-style: chr1-151287955-G-A. GRCh37 (hg19) VCF-style: chr1-151260431-G-A.
Other names: c.1664G>A, p.Arg555Gln (NM_001304763.2, NM_001304764.2); short protein forms R555Q.
Identifiers: ClinVar variation 1954660 (VCV001954660.5), dbSNP rs1008363289, ClinGen allele CA29518891.